The following is an entry in ClinVar:

NM_001005498.4(RHBDF2):c.1540C>T (p.Arg514Trp)

Gene: RHBDF2 (rhomboid 5 homolog 2; minus strand). Cytogenetic location: 17q25.1.
Variant type: single nucleotide variant.
Coding change: c.1540C>T on transcript NM_001005498.4 (MANE Select); coding-DNA position 1540, C replaced by T.
Protein change: p.Arg514Trp; replaces arginine 514 with tryptophan.
Molecular consequence: missense variant. On other transcripts: non-coding transcript variant (3).
Genome position (GRCh38, 1-based): chr17:76,474,067, G>A on the plus strand (C>T on the coding strand, the complement: RHBDF2 is on the minus strand). VCF-style: chr17-76474067-G-A. GRCh37 (hg19) VCF-style: chr17-74470149-G-A.
Other names: c.1540C>T, p.Arg514Trp (NM_001376228.1, NM_001376229.1, NM_001376230.1); c.1627C>T, p.Arg543Trp (NM_024599.5); short protein forms R514W, R543W.
Identifiers: ClinVar variation 4883443 (VCV004883443.2).
Genomic context (GRCh38, chr17:76,474,067, plus strand): 5'-GGCCCAGCAGAGGCTCCAGGCCCTACCTGGGGTCCTGGTGGCAGACAGCCCCCGAAGTCC[G>A]CTTCTGGCCCAGATCAGACTTGTCCATGGGGGGCCCAGTGTCATCCTGCCACTTGACAAA-3'
Protein context (NP_001005498.2, residues 504-524): PMDKSDLGQK[Arg514Trp]TSGAVCHQDP

ClinVar aggregate classification (germline): Uncertain significance (1 of 4 stars; one submission).

gnomAD v4.1: 9 of 1,612,866 alleles (0.00056%); highest among the groups gnomAD compares: South Asian, 0.0055%; no homozygotes.

Submission:

Dasa
Classification: Uncertain significance. Last evaluated: 2025-03-13. Review status: criteria provided, single submitter. Criteria: DASA Assertion Criteria. Collection method: clinical testing. Allele origin: germline.
Comment: NM_001005498.4(RHBDF2):c.1540C>T (p.Arg514Trp) is a missense variant that results in the substitution of arginine with tryptophan. This variant is rare in population databases. Computational prediction algorithms are consistent with a benign effect. The currently available literature and clinical evidence are not sufficient to establish a definitive association between this variant and the reported condition. Therefore, this variant is classified as a variant of uncertain significance.